The following is an entry in ClinVar:

NM_020822.3(KCNT1):c.1975del (p.Arg659fs)

Gene: KCNT1 (potassium sodium-activated channel subfamily T member 1; plus strand). Cytogenetic location: 9q34.3.
Variant type: Deletion.
Coding change: c.1975del on transcript NM_020822.3 (MANE Select); coding-DNA position 1975, one base deleted (C; older notation c.1975delC).
Protein change: p.Arg659fs; shifts the reading frame from arginine 659.
Molecular consequence: frameshift variant.
Genome position (GRCh38, 1-based): chr9:135,771,062, C deleted; the last of 3 consecutive C bases (chr9:135,771,060-135,771,062); deleting any one gives the same sequence. VCF-style (leftmost placement, unchanged base first): chr9-135771059-GC-G. GRCh37 (hg19) VCF-style: chr9-138662905-GC-G.
Other names: c.1840del, p.Arg614fs (NM_001272003.2); short protein forms R614fs, R659fs.
Identifiers: ClinVar variation 840541 (VCV000840541.8), dbSNP rs1832722657, ClinGen allele CA916083089.

ClinVar aggregate classification (germline): Uncertain significance (1 of 4 stars; one submission).

Conditions:
Autosomal dominant nocturnal frontal lobe epilepsy 5. Also called: CILIARY DYSKINESIA, PRIMARY, 28, WITHOUT SITUS INVERSUS; KCNT1-Related Epilepsy; CILIARY DYSKINESIA, PRIMARY, 28, WITH SITUS INVERSUS; Epilepsy, nocturnal frontal lobe, 5. Identifiers: Orphanet 98784, MedGen C3554306, MONDO:0014002, OMIM 615005.
Developmental and epileptic encephalopathy, 14 (DEE14). Also called: Early infantile epileptic encephalopathy 14. Identifiers: Orphanet 293181, MedGen C3554195, MONDO:0013989, OMIM 614959.

Submission:

Labcorp Genetics (formerly Invitae), Labcorp
Classification: Uncertain significance for Autosomal dominant nocturnal frontal lobe epilepsy 5; Developmental and epileptic encephalopathy, 14. Last evaluated: 2019-04-03. Review status: criteria provided, single submitter. Criteria: Invitae Variant Classification Sherloc (09022015). Collection method: clinical testing. Allele origin: germline.
Comment: This sequence change creates a premature translational stop signal (p.Arg659Alafs*70) in the KCNT1 gene. It is expected to result in an absent or disrupted protein product. This variant is not present in population databases (ExAC no frequency). This variant has not been reported in the literature in individuals with KCNT1-related conditions. The current clinical and genetic evidence is not sufficient to establish whether loss-of-function variants in KCNT1 cause disease. In summary, the available evidence is currently insufficient to determine the role of this variant in disease. Therefore, it has been classified as a Variant of Uncertain Significance.